The following is an entry in ClinVar:

ClinVar aggregate classification (germline): Uncertain significance (1 of 4 stars; one submission).

Submission:

Labcorp Genetics (formerly Invitae), Labcorp
Classification: Uncertain significance. Last evaluated: 2022-08-19. Review status: criteria provided, single submitter. Criteria: Invitae Variant Classification Sherloc (09022015). Collection method: clinical testing. Allele origin: germline.
Comment: This variant, c.2968_2970del, results in the deletion of 1 amino acid(s) of the LIFR protein (p.Glu990del), but otherwise preserves the integrity of the reading frame. This variant is present in population databases (rs761535056, gnomAD 0.04%), including at least one homozygous and/or hemizygous individual. This variant has not been reported in the literature in individuals affected with LIFR-related conditions. Experimental studies and prediction algorithms are not available or were not evaluated, and the functional significance of this variant is currently unknown. In summary, the available evidence is currently insufficient to determine the role of this variant in disease. Therefore, it has been classified as a Variant of Uncertain Significance.

NM_001127671.2(LIFR):c.2962GAA[2] (p.Glu990del)

Gene: LIFR (LIF receptor subunit alpha; minus strand). Cytogenetic location: 5p13.1.
Variant type: Microsatellite.
Coding change: c.2962GAA[2] on transcript NM_001127671.2 (MANE Select); two copies in a row of the 3-base unit GAA starting at c.2962; the reference has three copies in a row; one copy, 3 bases deleted.
Protein change: p.Glu990del; deletes glutamic acid 990.
Molecular consequence: inframe deletion.
Genome position (GRCh38, 1-based): chr5:38,481,919-38,481,921, TTC deleted on the plus strand (GAA on the coding strand, the reverse complement: LIFR is on the minus strand); deleting any 3 consecutive bases within chr5:38,481,919-38,481,928 gives the same sequence; the position shown is the placement nearest the transcript's 3' end. VCF-style (leftmost placement, unchanged base first): chr5-38481918-GTTC-G. GRCh37 (hg19) VCF-style: chr5-38482020-GTTC-G.
Other names: c.2962GAA[2], p.Glu990del (NM_001364297.2, NM_002310.6); c.2929GAA[2], p.Glu979del (NM_001364298.2); short protein forms E979del, E990del.
Identifiers: ClinVar variation 1046143 (VCV001046143.6), dbSNP rs761535056, ClinGen allele CA3242531.